The following is an entry in ClinVar:

ClinVar aggregate classification (germline): Likely benign (1 of 4 stars; one submission).

Conditions:
Familial thoracic aortic aneurysm and aortic dissection (TAAD). Also called: Thoracic aortic aneurysms and dissections. Identifiers: Orphanet 91387, MedGen C4707243, MONDO:0019625.

Allele frequency attached by ClinVar (database versions not stated): TOPMed below 0.00001.

Submission:

All of Us Research Program, National Institutes of Health
Classification: Likely benign for Familial thoracic aortic aneurysm and aortic dissection. Last evaluated: 2023-06-08. Review status: criteria provided, single submitter. Criteria: ACMG Guidelines, 2015. Collection method: clinical testing. Allele origin: germline. Inheritance: Autosomal dominant inheritance. Observed: 1 variant allele, 1 heterozygote.
Comment: This study involves interpretation of variants in research participants for the purpose of population health screening. Participant phenotype was not available at the time of variant classification. Additional details can be found in publication PMID: 35346344, PMCID: PMC8962531

NM_002474.3(MYH11):c.4932C>T (p.Ile1644=)

Genes: MYH11 (myosin heavy chain 11; minus strand), NDE1 (nudE neurodevelopment protein 1; plus strand). Cytogenetic location: 16p13.11.
Variant type: single nucleotide variant.
Coding change: c.4932C>T on transcript NM_002474.3 (MANE Select); coding-DNA position 4932, C replaced by T.
Protein change: p.Ile1644=; no amino-acid change (isoleucine 1644 retained).
Molecular consequence: synonymous variant. On other transcripts: intron variant (2).
Genome position (GRCh38, 1-based): chr16:15,720,172, G>A on the plus strand (C>T on the coding strand, the complement: MYH11 is on the minus strand). VCF-style: chr16-15720172-G-A. GRCh37 (hg19) VCF-style: chr16-15814029-G-A.
Other names: c.948-4019G>A (NM_017668.3, NM_001143979.2); c.4953C>T, p.Ile1651= (NM_001040113.2, NM_001040114.2); c.4932C>T, p.Ile1644= (NM_022844.3).
Identifiers: ClinVar variation 3071670 (VCV003071670.1), dbSNP rs2040390405, ClinGen allele CA493756144.